The following is an entry in ClinVar:

NM_002691.4(POLD1):c.1959G>C (p.Lys653Asn)

Gene: POLD1 (DNA polymerase delta 1, catalytic subunit; plus strand). Cytogenetic location: 19q13.33.
Variant type: single nucleotide variant.
Coding change: c.1959G>C on transcript NM_002691.4 (MANE Select); coding-DNA position 1959, G replaced by C.
Protein change: p.Lys653Asn; replaces lysine 653 with asparagine.
Molecular consequence: missense variant. On other transcripts: non-coding transcript variant (1).
Genome position (GRCh38, 1-based): chr19:50,409,188, G>C. VCF-style: chr19-50409188-G-C. GRCh37 (hg19) VCF-style: chr19-50912445-G-C.
Other names: c.1959G>C, p.Lys653Asn (NM_001256849.1); c.2037G>C, p.Lys679Asn (NM_001308632.1); c.1959G>C (NM_002691.2); short protein forms K653N, K679N.
Identifiers: ClinVar variation 469229 (VCV000469229.14), dbSNP rs1443432312, ClinGen allele CA406982322.

ClinVar aggregate classification (germline): Conflicting classifications of pathogenicity. Review status: criteria provided, conflicting classifications (1 of 4 stars). 3 submissions from 3 submitters: Uncertain significance (2); Likely benign (1). Last evaluated 2026-01-19.

Conditions:
Hereditary cancer-predisposing syndrome. Also called: Neoplastic Syndromes, Hereditary; Hereditary neoplastic syndrome; Tumor predisposition; Hereditary Cancer Syndrome. Identifiers: Orphanet 140162, MedGen C0027672, MeSH D009386, MONDO:0015356.
POLD1-related polyposis and colorectal cancer syndrome (CRCS10). Also called: Colorectal cancer 10; COLORECTAL CANCER, SUSCEPTIBILITY TO, ON CHROMOSOME 19q; Colorectal cancer, susceptibility to, 10. Identifiers: Orphanet 220460, MedGen C2675481, MONDO:0012953, OMIM 612591.

Allele frequency attached by ClinVar (database versions not stated): gnomAD exomes below 0.00001.
gnomAD v4.1: 2 of 1,613,804 alleles (0.00012%); highest among the groups gnomAD compares: Non-Finnish European, 0.00017%; no homozygotes.

Submissions (3):

Labcorp Genetics (formerly Invitae), Labcorp
Classification: Uncertain significance for POLD1-related polyposis and colorectal cancer syndrome. Last evaluated: 2026-01-19. Review status: criteria provided, single submitter. Criteria: Invitae Variant Classification Sherloc (09022015). Collection method: clinical testing. Allele origin: germline.
Comment: This sequence change replaces lysine, which is basic and polar, with asparagine, which is neutral and polar, at codon 653 of the POLD1 protein (p.Lys653Asn). This variant is present in population databases (no rsID available, gnomAD 0.0009%). This variant has not been reported in the literature in individuals affected with POLD1-related conditions. ClinVar contains an entry for this variant (Variation ID: 469229). Invitae Evidence Modeling of protein sequence and biophysical properties (such as structural, functional, and spatial information, amino acid conservation, physicochemical variation, residue mobility, and thermodynamic stability) indicates that this missense variant is not expected to disrupt POLD1 protein function with a negative predictive value of 80%. In summary, the available evidence is currently insufficient to determine the role of this variant in disease. Therefore, it has been classified as a Variant of Uncertain Significance.

Ambry Genetics
Classification: Likely benign for Hereditary cancer-predisposing syndrome. Last evaluated: 2025-03-14. Review status: criteria provided, single submitter. Criteria: Ambry Variant Classification Scheme 2023. Collection method: clinical testing. Allele origin: germline.

GeneDx
Classification: Uncertain significance. Last evaluated: 2022-12-05. Review status: criteria provided, single submitter. Criteria: GeneDx Variant Classification Process June 2021. Collection method: clinical testing. Allele origin: germline. Affected: yes.
Comment: Not observed at significant frequency in large population cohorts (gnomAD); In silico analysis supports that this missense variant has a deleterious effect on protein structure/function; Has not been previously published as pathogenic or benign to our knowledge; This variant is associated with the following publications: (PMID: 20951805)